The following is an entry in ClinVar:

ClinVar aggregate classification (germline): Uncertain significance (1 of 4 stars; one submission).

gnomAD v4.1: 9 of 1,557,858 alleles (0.00058%); highest among the groups gnomAD compares: South Asian, 0.0089%; no homozygotes.

Submission:

GeneDx
Classification: Uncertain significance. Last evaluated: 2024-07-03. Review status: criteria provided, single submitter. Criteria: GeneDx Variant Classification Process June 2021. Collection method: clinical testing. Allele origin: germline. Affected: yes.
Comment: Not observed at significant frequency in large population cohorts (gnomAD); In silico analysis indicates that this missense variant does not alter protein structure/function; Has not been previously published as pathogenic or benign to our knowledge

NM_000092.5(COL4A4):c.2867T>C (p.Ile956Thr)

Gene: COL4A4 (collagen type IV alpha 4 chain; minus strand). Cytogenetic location: 2q36.3.
Variant type: single nucleotide variant.
Coding change: c.2867T>C on transcript NM_000092.5 (MANE Select); coding-DNA position 2867, T replaced by C.
Protein change: p.Ile956Thr; replaces isoleucine 956 with threonine.
Molecular consequence: missense variant.
Genome position (GRCh38, 1-based): chr2:227,052,406, A>G on the plus strand (T>C on the coding strand, the complement: COL4A4 is on the minus strand). VCF-style: chr2-227052406-A-G. GRCh37 (hg19) VCF-style: chr2-227917122-A-G.
Other names: short protein forms I956T.
Identifiers: ClinVar variation 3393746 (VCV003393746.1).
Genomic context (GRCh38, chr2:227,052,406, plus strand): 5'-TCCCCAGGTGTTCCCTTTTGTGAAATGATAGCCATTTCTCCTTCATCTCCGGGAGGTCCT[A>G]TGGCTCCTATGGATATTAATTATGCAAGAACAAAATGAACAGGAACATCACACACATAAT-3'
Protein context (NP_000083.3, residues 946-966): DRGLRGAKGA[Ile956Thr]GPPGDEGEMA